The following continues an entry in ClinVar:

NM_000059.4(BRCA2):c.4284dup (p.Gln1429fs)

Gene: BRCA2. ClinVar aggregate classification (germline): Pathogenic. Pathogenic (1).

Submissions 34 to 41 of 41:

BRCAlab, Lund University
Classification: Pathogenic for Breast-ovarian cancer, familial, susceptibility to, 2. Last evaluated: 2022-08-26. Review status: no assertion criteria provided. Collection method: clinical testing. Allele origin: germline. Affected: yes. Not counted in ClinVar's aggregate classification.

Laboratory for Genotyping Development, RIKEN
Classification: Pathogenic for Gastric cancer. Last evaluated: 2021-07-01. Review status: no assertion criteria provided. Collection method: research. Allele origin: germline. Not counted in ClinVar's aggregate classification.

CZECANCA consortium
Classification: Pathogenic for Breast and/or ovarian cancer. Last evaluated: 2019-06-11. Review status: no assertion criteria provided. Collection method: clinical testing. Allele origin: germline. Affected: yes. Observed: 1 variant allele. Not counted in ClinVar's aggregate classification.

Counsyl
Classification: Likely pathogenic for Breast-ovarian cancer, familial 2. Last evaluated: 2014-12-29. Review status: no assertion criteria provided. Collection method: literature only. Allele origin: unknown. Inheritance: Autosomal dominant inheritance. Not counted in ClinVar's aggregate classification.

Research Molecular Genetics Laboratory, Women's College Hospital, University of Toronto
Classification: Pathogenic for Hereditary breast ovarian cancer syndrome. Last evaluated: 2014-01-31. Review status: no assertion criteria provided. Collection method: research. Allele origin: germline. Affected: yes. Study: The Canadian Open Genetics Repository (COGR). Not counted in ClinVar's aggregate classification.

Sharing Clinical Reports Project (SCRP)
Classification: Pathogenic for Breast-ovarian cancer, familial 2. Last evaluated: 2012-10-30. Review status: no assertion criteria provided. Collection method: clinical testing. Allele origin: germline. Not counted in ClinVar's aggregate classification.

Breast Cancer Information Core (BIC) (BRCA2)
Classification: Pathogenic for Breast-ovarian cancer, familial 2. Last evaluated: 2002-05-29. Review status: no assertion criteria provided. Collection method: clinical testing. Allele origin: germline. Affected: yes. Observed: 4 variant alleles. Not counted in ClinVar's aggregate classification.

Department of Pathology and Laboratory Medicine, Sinai Health System
Classification: Pathogenic for Malignant tumor of breast. Review status: no assertion criteria provided. Collection method: clinical testing. Allele origin: unknown. Affected: yes. Observed: 2 variant alleles. Study: The Canadian Open Genetics Repository (COGR). Not counted in ClinVar's aggregate classification.
Comment: The BRCA2 p.Gln1429SerfsX9 variant was identified in 3 of 4408 proband chromosomes (frequency: 0.001) from individuals or families with breast and ovarian cancers (Caux-Moncoutier 2011, Risch 2001, Terabeax 2014). The variant was also identified in dbSNP (ID: rs80359439 â€šÃ„ÃºWith pathogenic alleleâ€šÃ„Ã¹. The p.Gln1429SerfsX9variant was identified in the Clinvar database and classified as pathogenic by Invitae, Ambry Genetics, GeneDx, BIC and Sharing clinical Reports project. Counsy classified the variant as likely pathogenic. In the BRCA Share UMD database, the variant was identified 14x and classified as causal. The variant was identified with a co-occurring pathogenic BRCA1 variant (c.5266dup (p.Gln1756ProfsX74). The BIC database identified the variant 4X with clinical importance and classified as pathogenic. The ARUP laboratory identified the variant 1x and classified it as pathogenic. The p.Gln1429SerfsX9 duplication variant is predicted to cause a frameshift, which alters the protein's amino acid sequence beginning at codon 1429 and leads to a premature stop codon 9 codons downstream. This alteration is then predicted to result in a truncated or absent protein and loss of function. Loss of function variants of the BRCA2 gene are an established mechanism of disease in hereditary breast and ovarian cancer and is the type of variant expected to cause the disorder. In summary, based on the above information, this variant meets our laboratoryâ€šÃ„Ã´s criteria to be classified as pathogenic.

Literature cited by the submitters: PubMed 32438681 (cited by Center for Genomic Medicine, Rigshospitalet, Copenhagen University Hospital); PubMed 16199546 (cited by Dasa); PubMed 17063271 (cited by Dasa); PubMed 25632310 (cited by Dasa); PubMed 20104584 (cited by Labcorp Genetics (formerly Invitae), Labcorp and GeneKor MSA); PubMed 11179017 (cited by 10 submitters); PubMed 20373018 (cited by 5 submitters); PubMed 22085629 (cited by 8 submitters); PubMed 24156927 (cited by 6 submitters); PubMed 24728189 (cited by 6 submitters); PubMed 20301425 (cited by Variantyx, Inc.); PubMed 2085629 (cited by Variantyx, Inc.); PubMed 38630906 (cited by Variantyx, Inc.); PubMed 37563628 (cited by Variantyx, Inc.); PubMed 21324516 (cited by 7 submitters); PubMed 27741520 (cited by 6 submitters); PubMed 29084914 (cited by 5 submitters); PubMed 29446198 (cited by Ambry Genetics); PubMed 29753700 (cited by 6 submitters); PubMed 30128899 (cited by 3 submitters); PubMed 32846166 (cited by Quest Diagnostics Nichols Institute San Juan Capistrano); PubMed 21120943 (cited by 7 submitters); PubMed 28657667 (cited by 6 submitters); PubMed 26295337 (cited by Quest Diagnostics Nichols Institute San Juan Capistrano); PubMed 29483665 (cited by All of Us Research Program, National Institutes of Health and Color Diagnostics, LLC DBA Color Health); PubMed 33471991 (cited by All of Us Research Program, National Institutes of Health and Color Diagnostics, LLC DBA Color Health); PubMed 36329109 (cited by Genetics Program, Instituto Nacional de Cancer); PubMed 29907814 (cited by Laboratory for Molecular Medicine, Mass General Brigham Personalized Medicine and Mayo Clinic Laboratories, Mayo Clinic); PubMed 30720243 (cited by Laboratory for Molecular Medicine, Mass General Brigham Personalized Medicine); PubMed 26360800 (cited by 3 submitters); PubMed 21702907 (cited by Mayo Clinic Laboratories, Mayo Clinic and Counsyl); PubMed 23942203 (cited by Mayo Clinic Laboratories, Mayo Clinic); PubMed 36988593 (cited by Laboratory for Genotyping Development, RIKEN); PubMed 32295079 (cited by CZECANCA consortium).